The following is an entry in ClinVar:

NM_020975.6(RET):c.385C>G (p.Pro129Ala)

Gene: RET (ret proto-oncogene; plus strand). Cytogenetic location: 10q11.21.
Variant type: single nucleotide variant.
Coding change: c.385C>G on transcript NM_020975.6 (MANE Select); coding-DNA position 385, C replaced by G.
Protein change: p.Pro129Ala; replaces proline 129 with alanine.
Molecular consequence: missense variant.
Genome position (GRCh38, 1-based): chr10:43,102,389, C>G. VCF-style: chr10-43102389-C-G. GRCh37 (hg19) VCF-style: chr10-43597837-C-G.
Other names: c.385C>G, p.Pro129Ala (NM_000323.2, NM_001406743.1, NM_001406744.1 and 16 more transcripts); short protein forms P129A.
Identifiers: ClinVar variation 1056160 (VCV001056160.10), dbSNP rs2132678836, ClinGen allele CA376770712.

ClinVar aggregate classification (germline): Uncertain significance (1 of 4 stars; one submission).

Conditions:
Multiple endocrine neoplasia, type 2 (MEN2). Identifiers: Orphanet 653, MedGen C4048306, MONDO:0019003. Disease mechanism: gain of function.

Submission:

Labcorp Genetics (formerly Invitae), Labcorp
Classification: Uncertain significance for Multiple endocrine neoplasia, type 2. Last evaluated: 2022-07-19. Review status: criteria provided, single submitter. Criteria: Invitae Variant Classification Sherloc (09022015). Collection method: clinical testing. Allele origin: germline.
Comment: Algorithms developed to predict the effect of missense changes on protein structure and function (SIFT, PolyPhen-2, Align-GVGD) all suggest that this variant is likely to be tolerated. In summary, the available evidence is currently insufficient to determine the role of this variant in disease. Therefore, it has been classified as a Variant of Uncertain Significance. Algorithms developed to predict the effect of sequence changes on RNA splicing suggest that this variant may create or strengthen a splice site. ClinVar contains an entry for this variant (Variation ID: 1056160). This variant has not been reported in the literature in individuals affected with RET-related conditions. This variant is not present in population databases (gnomAD no frequency). This sequence change replaces proline, which is neutral and non-polar, with alanine, which is neutral and non-polar, at codon 129 of the RET protein (p.Pro129Ala).